The following is an entry in ClinVar:

NM_015378.4(VPS13D):c.12227G>A (p.Gly4076Glu)

Gene: VPS13D (vacuolar protein sorting 13 homolog D; plus strand). Cytogenetic location: 1p36.22.
Variant type: single nucleotide variant.
Coding change: c.12227G>A on transcript NM_015378.4 (MANE Select); coding-DNA position 12227, G replaced by A.
Protein change: p.Gly4076Glu; replaces glycine 4076 with glutamic acid.
Molecular consequence: missense variant.
Genome position (GRCh38, 1-based): chr1:12,416,721, G>A. VCF-style: chr1-12416721-G-A. GRCh37 (hg19) VCF-style: chr1-12476774-G-A.
Other names: c.12152G>A, p.Gly4051Glu (NM_018156.4); short protein forms G4051E, G4076E.
Identifiers: ClinVar variation 1029391 (VCV001029391.1), dbSNP rs1644798894, ClinGen allele CA338489147.

ClinVar aggregate classification (germline): Uncertain significance (1 of 4 stars; one submission).

Conditions:
Autosomal recessive cerebellar ataxia-saccadic intrusion syndrome. Also called: SPINOCEREBELLAR ATAXIA 24; VPS13D Movement Disorder. Identifiers: Orphanet 95434, MedGen C1846492, MONDO:0011811, OMIM 607317.

Submission:

Baylor Genetics
Classification: Uncertain significance for Autosomal recessive cerebellar ataxia-saccadic intrusion syndrome. Last evaluated: 2019-11-26. Review status: criteria provided, single submitter. Criteria: ACMG Guidelines, 2015. Collection method: clinical testing. Allele origin: unknown. Affected: yes.
Comment: This variant was determined to be of uncertain significance according to ACMG Guidelines, 2015 [PMID:25741868].